The following is an entry in ClinVar:

NM_001382273.1(TNK2):c.421C>T (p.Arg141Cys)

Gene: TNK2 (tyrosine kinase non receptor 2; minus strand). Cytogenetic location: 3q29.
Variant type: single nucleotide variant.
Coding change: c.421C>T on transcript NM_001382273.1 (MANE Select); coding-DNA position 421, C replaced by T.
Protein change: p.Arg141Cys; replaces arginine 141 with cysteine.
Molecular consequence: missense variant. On other transcripts: non-coding transcript variant (15).
Genome position (GRCh38, 1-based): chr3:195,884,847, G>A on the plus strand (C>T on the coding strand, the complement: TNK2 is on the minus strand). VCF-style: chr3-195884847-G-A. GRCh37 (hg19) VCF-style: chr3-195611718-G-A.
Other names: c.493C>T, p.Arg165Cys (NM_001010938.2, NM_001382272.1, NM_001387708.1 and 1 more transcripts); c.517C>T, p.Arg173Cys (NM_001308046.2, NM_001382271.1, NM_001382275.1 and 1 more transcripts); c.421C>T, p.Arg141Cys (NM_001382274.1, NM_001386164.1, NM_001387709.1 and 12 more transcripts); short protein forms R165C, R173C, R141C.
Identifiers: ClinVar variation 1965481 (VCV001965481.5), dbSNP rs777025989, ClinGen allele CA2776867.

ClinVar aggregate classification (germline): Uncertain significance (1 of 4 stars; one submission).

Allele frequency attached by ClinVar (database versions not stated): TOPMed below 0.00001; gnomAD 0.00001; gnomAD exomes 0.00001; ExAC 0.00002.

Submission:

Labcorp Genetics (formerly Invitae), Labcorp
Classification: Uncertain significance. Last evaluated: 2023-07-17. Review status: criteria provided, single submitter. Criteria: Invitae Variant Classification Sherloc (09022015). Collection method: clinical testing. Allele origin: germline.
Comment: This variant is present in population databases (rs777025989, gnomAD 0.02%). This sequence change replaces arginine, which is basic and polar, with cysteine, which is neutral and slightly polar, at codon 204 of the TNK2 protein (p.Arg204Cys). This variant has not been reported in the literature in individuals affected with TNK2-related conditions. ClinVar contains an entry for this variant (Variation ID: 1965481). An algorithm developed to predict the effect of missense changes on protein structure and function (PolyPhen-2) suggests that this variant is likely to be tolerated. In summary, the available evidence is currently insufficient to determine the role of this variant in disease. Therefore, it has been classified as a Variant of Uncertain Significance.